The following is an entry in ClinVar:

NM_030631.4(SLC25A21):c.408C>T (p.Gly136=)

Gene: SLC25A21 (solute carrier family 25 member 21; minus strand). Cytogenetic location: 14q13.3.
Variant type: single nucleotide variant.
Coding change: c.408C>T on transcript NM_030631.4 (MANE Select); coding-DNA position 408, C replaced by T.
Protein change: p.Gly136=; no amino-acid change (glycine 136 retained).
Molecular consequence: synonymous variant.
Genome position (GRCh38, 1-based): chr14:36,725,600, G>A on the plus strand (C>T on the coding strand, the complement: SLC25A21 is on the minus strand). VCF-style: chr14-36725600-G-A. GRCh37 (hg19) VCF-style: chr14-37194805-G-A.
Other names: c.408C>T, p.Gly136= (NM_001171170.2).
Identifiers: ClinVar variation 2644182 (VCV002644182.24), dbSNP rs528494301, ClinGen allele CA485927961.
Genomic context (GRCh38, chr14:36,725,600, plus strand): 5'-CCTAACAATAGAAAAACATTAAATGGTTACCTCTGCAAATGTGTTCCGATTTGCTTGCAA[G>A]CCAACTTTTACTACCTCAAAAGGGTTAACTACAATGGCTTCTGTTAGTCCAGATCCCAAT-3'
Protein context (NP_085134.1, residues 126-146): VVNPFEVVKV[Gly136=]LQANRNTFAE

ClinVar aggregate classification (germline): Likely benign (1 of 4 stars; one submission).

Allele frequency attached by ClinVar (database versions not stated): gnomAD exomes below 0.00001.
gnomAD v4.1: 1 of 1,592,180 alleles (0.000063%); highest among the groups gnomAD compares: Non-Finnish European, 0.000085%; no homozygotes.

Submission:

CeGaT Center for Human Genetics Tuebingen
Classification: Likely benign. Last evaluated: 2022-06-01. Review status: criteria provided, single submitter. Criteria: CeGaT Center For Human Genetics Tuebingen Variant Classification Criteria Version 2. Collection method: clinical testing. Allele origin: germline. Affected: yes. Observed: 1 variant allele.
Comment: SLC25A21: PM2:Supporting, BP4, BP7